The following is an entry in ClinVar:

ClinVar aggregate classification (germline): Uncertain significance (1 of 4 stars; one submission).

Submission:

Labcorp Genetics (formerly Invitae), Labcorp
Classification: Uncertain significance. Last evaluated: 2023-10-30. Review status: criteria provided, single submitter. Criteria: Invitae Variant Classification Sherloc (09022015). Collection method: clinical testing. Allele origin: germline.
Comment: This sequence change replaces glutamine, which is neutral and polar, with glutamic acid, which is acidic and polar, at codon 37 of the RECQL protein (p.Gln37Glu). This variant is not present in population databases (gnomAD no frequency). This variant has not been reported in the literature in individuals affected with RECQL-related conditions. An algorithm developed to predict the effect of missense changes on protein structure and function (PolyPhen-2) suggests that this variant is likely to be tolerated. In summary, the available evidence is currently insufficient to determine the role of this variant in disease. Therefore, it has been classified as a Variant of Uncertain Significance.

NM_002907.4(RECQL):c.109C>G (p.Gln37Glu)

Gene: RECQL (RecQ like helicase; minus strand). Cytogenetic location: 12p12.1.
Variant type: single nucleotide variant.
Coding change: c.109C>G on transcript NM_002907.4 (MANE Select); coding-DNA position 109, C replaced by G.
Protein change: p.Gln37Glu; replaces glutamine 37 with glutamic acid.
Molecular consequence: missense variant.
Genome position (GRCh38, 1-based): chr12:21,491,624, G>C on the plus strand (C>G on the coding strand, the complement: RECQL is on the minus strand). VCF-style: chr12-21491624-G-C. GRCh37 (hg19) VCF-style: chr12-21644558-G-C.
Other names: c.109C>G, p.Gln37Glu (NM_032941.3); short protein forms Q37E.
Identifiers: ClinVar variation 2772860 (VCV002772860.3), dbSNP rs2136755793, ClinGen allele CA384134544.